The following is an entry in ClinVar:

ClinVar aggregate classification (germline): Pathogenic. Review status: criteria provided, single submitter (1 of 4 stars). 2 submissions from 2 submitters: Pathogenic (1). 1 of the submissions does not count toward it. Last evaluated 2016-12-12.

Conditions:
Coffin-Siris syndrome 6. Identifiers: MedGen C4540499, MONDO:0033492, OMIM 617808.

Submissions (2):

GeneDx
Classification: Pathogenic. Last evaluated: 2016-12-12. Review status: criteria provided, single submitter. Criteria: GeneDx Variant Classification (06012015). Collection method: clinical testing. Allele origin: germline. Affected: yes.
Comment: The c.2536delG pathogenic variant in the ARID2 gene has now been published as a disease-causing variant associated with ARID2-related disorders (Shang et al., 2015). The c.2536delG variant causes a frameshift starting with codon Valine 846, changes this amino acid to a Leucine residue, and creates a premature Stop codon at position 3 of the new reading frame, denoted p.Val846LeufsX3. This variant is predicted to cause loss of normal protein function either through protein truncation or nonsense-mediated mRNA decay. The c.2536delG variant was not observed in approximately 6500 individuals of European and African American ancestry in the NHLBI Exome Sequencing Project, indicating it is not a common benign variant in these populations. We interpret c.2536delG as a pathogenic variant

OMIM
Classification: Pathogenic for COFFIN-SIRIS SYNDROME 6. Last evaluated: 2017-12-14. Review status: no assertion criteria provided. Collection method: literature only. Allele origin: germline. Not counted in ClinVar's aggregate classification.

Literature cited by the submitters: PubMed 26238514 (cited by OMIM).

NM_152641.4(ARID2):c.2536del (p.Val846fs)

Gene: ARID2 (AT-rich interaction domain 2; plus strand). Cytogenetic location: 12q12.
Variant type: Deletion.
Coding change: c.2536del on transcript NM_152641.4 (MANE Select); coding-DNA position 2536, one base deleted (G; older notation c.2536delG).
Protein change: p.Val846fs; shifts the reading frame from valine 846.
Molecular consequence: frameshift variant.
Genome position (GRCh38, 1-based): chr12:45,850,659, G deleted. VCF-style (leftmost placement, unchanged base first): chr12-45850658-TG-T. GRCh37 (hg19) VCF-style: chr12-46244441-TG-T.
Other names: c.2536del, p.Val846fs (NM_001347839.2); short protein forms V846fs.
Identifiers: ClinVar variation 207823 (VCV000207823.3), dbSNP rs796052240, ClinGen allele CA319651.